The following is an entry in ClinVar:

NM_006218.4(PIK3CA):c.321_323del (p.Arg108del)

Gene: PIK3CA (phosphatidylinositol-4,5-bisphosphate 3-kinase catalytic subunit alpha; plus strand). Cytogenetic location: 3q26.32.
Variant type: Deletion.
Coding change: c.321_323del on transcript NM_006218.4 (MANE Select); coding-DNA positions 321 to 323, 3 bases deleted (CCG; older notation c.321_323delCCG).
Protein change: p.Arg108del; deletes arginine 108.
Molecular consequence: inframe deletion.
Genome position (GRCh38, 1-based): chr3:179,199,146-179,199,148, CCG deleted. VCF-style (leftmost placement, unchanged base first): chr3-179199145-ACCG-A. GRCh37 (hg19) VCF-style: chr3-178916933-ACCG-A.
Other names: c.321_323del (LRG_310t1); short protein forms R108del.
Identifiers: ClinVar variation 456545 (VCV000456545.5), dbSNP rs1553820399, ClinGen allele CA645535218.

ClinVar aggregate classification (germline): Conflicting classifications of pathogenicity. Review status: criteria provided, conflicting classifications (1 of 4 stars). 2 submissions from 2 submitters: Likely pathogenic (1); Uncertain significance (1). Last evaluated 2024-12-26.

Conditions:
PIK3CA related overgrowth syndrome. Also called: PIK3CA related overgrowth spectrum; PIK3CA-Related Segmental Overgrowth. Identifiers: Orphanet 530313, MedGen C4728213, MONDO:1040002.
Cowden syndrome (CS). Also called: Cowden's disease; Cowden's syndrome; Cowden disease. Identifiers: Orphanet 201, MedGen C0018553, MONDO:0016063. Disease mechanism: gain of function.

Submissions (2):

Clinical Genomics Laboratory, Washington University in St. Louis
Classification: Likely pathogenic for PIK3CA-related overgrowth syndrome. Last evaluated: 2024-12-26. Review status: criteria provided, single submitter. Criteria: Leon-Quintero et al. (Clin Genet. 2025). Collection method: clinical testing. Allele origin: somatic. Affected: yes.
Comment: A PIK3CA c.321_323del (p.Arg108del) variant was identified at an allelic fraction consistent with somatic origin. This exact variant, to our knowledge, has not been reported in the medical literature in PROS disorders but has been reported in breast and colon cancer in the cancer database COSMIC (Genomic Mutation ID: COSV55962048). Additionally, similar indels in nearby residues, p.Glu110del and p.Arg108_Ile112del, have been reported in PROS affected individuals and are considered pathogenic (Andreoti TA et al., PMID: 39376044; Kuentz P et al., PMID: 28151489). This variant is absent from the general population (gnomAD v.4.1.0), indicating it is not a common variant. It resides within the adaptor binding domain of PIK3CA that is defined as a critical functional domain (Liu S et al., PMID: 24459181; Lai A et al., PMID: 35997716). The PIK3CA c.321_323del (p.Arg108del) variant is predicted to cause a change in the length of the protein due to an in-frame deletion of a single amino acid in a non-repeat region. Based on available information and an internally developed protocol informed by the ACMG/AMP guidelines for variant interpretation and gene-specific practices from the ClinGen Criteria Specification Registry (Leon-Quintero FZ et al., PMID: 39434542), the PIK3CA c.321_323del (p.Arg108del) variant is classified as likely pathogenic.

Labcorp Genetics (formerly Invitae), Labcorp
Classification: Uncertain significance for Cowden syndrome. Last evaluated: 2021-08-20. Review status: criteria provided, single submitter. Criteria: Invitae Variant Classification Sherloc (09022015). Collection method: clinical testing. Allele origin: germline.